The following is an entry in ClinVar:

NM_001040108.2(MLH3):c.2660C>T (p.Thr887Ile)

Gene: MLH3 (mutL homolog 3; minus strand). Cytogenetic location: 14q24.3.
Variant type: single nucleotide variant.
Coding change: c.2660C>T on transcript NM_001040108.2 (MANE Select); coding-DNA position 2660, C replaced by T.
Protein change: p.Thr887Ile; replaces threonine 887 with isoleucine.
Molecular consequence: missense variant.
Genome position (GRCh38, 1-based): chr14:75,046,996, G>A on the plus strand (C>T on the coding strand, the complement: MLH3 is on the minus strand). VCF-style: chr14-75046996-G-A. GRCh37 (hg19) VCF-style: chr14-75513699-G-A.
Other names: c.2660C>T, p.Thr887Ile (NM_014381.3); short protein forms T887I.
Identifiers: ClinVar variation 647380 (VCV000647380.10), dbSNP rs1595084498, ClinGen allele CA390439172.

ClinVar aggregate classification (germline): Uncertain significance (1 of 4 stars; one submission).

Conditions:
Colorectal cancer, hereditary nonpolyposis, type 7. Identifiers: Orphanet 144, MedGen C1858380, MONDO:0013725, OMIM 614385.

Allele frequency attached by ClinVar (database versions not stated): gnomAD exomes below 0.00001.
gnomAD v4.1: 1 of 1,614,154 alleles (0.000062%); highest among the groups gnomAD compares: Non-Finnish European, 0.000085%; no homozygotes.

Submission:

Labcorp Genetics (formerly Invitae), Labcorp
Classification: Uncertain significance for Colorectal cancer, hereditary nonpolyposis, type 7. Last evaluated: 2019-09-24. Review status: criteria provided, single submitter. Criteria: Invitae Variant Classification Sherloc (09022015). Collection method: clinical testing. Allele origin: germline.
Comment: In summary, the available evidence is currently insufficient to determine the role of this variant in disease. Therefore, it has been classified as a Variant of Uncertain Significance. Algorithms developed to predict the effect of missense changes on protein structure and function (SIFT, PolyPhen-2, Align-GVGD) all suggest that this variant is likely to be tolerated, but these predictions have not been confirmed by published functional studies and their clinical significance is uncertain. This variant has not been reported in the literature in individuals with MLH3-related conditions. This variant is not present in population databases (ExAC no frequency). This sequence change replaces threonine with isoleucine at codon 887 of the MLH3 protein (p.Thr887Ile). The threonine residue is weakly conserved and there is a moderate physicochemical difference between threonine and isoleucine.